The following is an entry in ClinVar:

NM_002485.5(NBN):c.598C>T (p.Leu200Phe)

Gene: NBN (nibrin; minus strand). Cytogenetic location: 8q21.3.
Variant type: single nucleotide variant.
Coding change: c.598C>T on transcript NM_002485.5 (MANE Select); coding-DNA position 598, C replaced by T.
Protein change: p.Leu200Phe; replaces leucine 200 with phenylalanine.
Molecular consequence: missense variant.
Genome position (GRCh38, 1-based): chr8:89,971,277, G>A on the plus strand (C>T on the coding strand, the complement: NBN is on the minus strand). VCF-style: chr8-89971277-G-A. GRCh37 (hg19) VCF-style: chr8-90983505-G-A.
Other names: c.352C>T, p.Leu118Phe (NM_001024688.3); short protein forms L118F, L200F.
Identifiers: ClinVar variation 1063496 (VCV001063496.12), dbSNP rs2129839627, ClinGen allele CA371659315.

ClinVar aggregate classification (germline): Uncertain significance. Review status: criteria provided, multiple submitters, no conflicts (2 of 4 stars). 2 submissions from 2 submitters: Uncertain significance (2). Last evaluated 2021-01-25.

Conditions:
Microcephaly, normal intelligence and immunodeficiency (NBS). Also called: BERLIN BREAKAGE SYNDROME; SEEMANOVA SYNDROME II; Immunodeficiency, microcephaly with normal intelligence; Nijmegen breakage syndrome; Microcephaly with normal intelligence immunodeficiency and lymphoreticular malignancies; Nonsyndromal microcephaly autosomal recessive with normal intelligence. Identifiers: Orphanet 647, MedGen C0398791, MONDO:0009623, OMIM 251260.

Submissions (2):

Genetic Services Laboratory, University of Chicago
Classification: Uncertain significance. Last evaluated: 2021-01-25. Review status: criteria provided, single submitter. Criteria: ACMG Guidelines, 2015. Collection method: clinical testing. Allele origin: germline. Affected: no.

Labcorp Genetics (formerly Invitae), Labcorp
Classification: Uncertain significance for Microcephaly, normal intelligence and immunodeficiency. Last evaluated: 2020-10-10. Review status: criteria provided, single submitter. Criteria: Invitae Variant Classification Sherloc (09022015). Collection method: clinical testing. Allele origin: germline.
Comment: Algorithms developed to predict the effect of missense changes on protein structure and function are either unavailable or do not agree on the potential impact of this missense change (SIFT: "Deleterious"; PolyPhen-2: "Benign"; Align-GVGD: "Class C0"). This variant has not been reported in the literature in individuals with NBN-related conditions. This variant is not present in population databases (ExAC no frequency). This sequence change replaces leucine with phenylalanine at codon 200 of the NBN protein (p.Leu200Phe). The leucine residue is weakly conserved and there is a small physicochemical difference between leucine and phenylalanine. In summary, the available evidence is currently insufficient to determine the role of this variant in disease. Therefore, it has been classified as a Variant of Uncertain Significance.